The following is an entry in ClinVar:

ClinVar aggregate classification (germline): Uncertain significance (1 of 4 stars; one submission).

Allele frequency attached by ClinVar (database versions not stated): TOPMed 0.00002; gnomAD 0.00004.
gnomAD v4.1: 56 of 1,589,140 alleles (0.0035%); highest among the groups gnomAD compares: Admixed American, 0.0085%; 1 homozygote.

Submission:

Labcorp Genetics (formerly Invitae), Labcorp
Classification: Uncertain significance. Last evaluated: 2024-01-18. Review status: criteria provided, single submitter. Criteria: Invitae Variant Classification Sherloc (09022015). Collection method: clinical testing. Allele origin: germline.
Comment: This sequence change replaces threonine, which is neutral and polar, with methionine, which is neutral and non-polar, at codon 156 of the RPS6KC1 protein (p.Thr156Met). This variant is present in population databases (rs768174092, gnomAD 0.02%). This variant has not been reported in the literature in individuals affected with RPS6KC1-related conditions. An algorithm developed to predict the effect of missense changes on protein structure and function (PolyPhen-2) suggests that this variant is likely to be tolerated. In summary, the available evidence is currently insufficient to determine the role of this variant in disease. Therefore, it has been classified as a Variant of Uncertain Significance.

NM_012424.6(RPS6KC1):c.467C>T (p.Thr156Met)

Gene: RPS6KC1 (ribosomal protein S6 kinase C1; plus strand). Cytogenetic location: 1q32.3.
Variant type: single nucleotide variant.
Coding change: c.467C>T on transcript NM_012424.6 (MANE Select); coding-DNA position 467, C replaced by T.
Protein change: p.Thr156Met; replaces threonine 156 with methionine.
Molecular consequence: missense variant. On other transcripts: 5 prime UTR variant (24), non-coding transcript variant (3), intron variant (3).
Genome position (GRCh38, 1-based): chr1:213,117,405, C>T. VCF-style: chr1-213117405-C-T. GRCh37 (hg19) VCF-style: chr1-213290747-C-T.
Other names: c.431C>T, p.Thr144Met (NM_001136138.4); c.-155C>T (NM_001287218.3, NM_001349650.2, NM_001349653.2 and 1 more transcripts); c.-77C>T (NM_001287219.3, NM_001287221.3, NM_001349648.2 and 1 more transcripts); c.-748C>T (NM_001287220.3, NM_001349666.2, NM_001349667.2 and 1 more transcripts); c.467C>T, p.Thr156Met (NM_001349646.2, NM_001349647.2); c.-276C>T (NM_001349651.2); c.-226C>T (NM_001349652.2); c.-62C>T (NM_001349658.2); and 9 more; short protein forms T156M, T144M.
Identifiers: ClinVar variation 2732341 (VCV002732341.3), dbSNP rs768174092, ClinGen allele CA1387173.